The following is an entry in ClinVar:

ClinVar aggregate classification (germline): Uncertain significance (1 of 4 stars; one submission).

Allele frequency attached by ClinVar (database versions not stated): gnomAD exomes below 0.00001.
gnomAD v4.1: 1 of 1,613,894 alleles (0.000062%); highest among the groups gnomAD compares: Non-Finnish European, 0.000085%; no homozygotes.

Submission:

GeneDx
Classification: Uncertain significance. Last evaluated: 2020-01-27. Review status: criteria provided, single submitter. Criteria: GeneDx Variant Classification Process June 2021. Collection method: clinical testing. Allele origin: germline. Affected: yes.
Comment: Not observed in large population cohorts (Lek et al., 2016); In silico analysis, which includes protein predictors and evolutionary conservation, supports a deleterious effect; Has not been previously published as pathogenic or benign to our knowledge

NM_001318895.3(FHL2):c.164C>T (p.Ser55Phe)

Genes: FHL2 (four and a half LIM domains 2; minus strand), C2orf49 (chromosome 2 open reading frame 49; plus strand). Cytogenetic location: 2q12.2.
Variant type: single nucleotide variant.
Coding change: c.164C>T on transcript NM_001318895.3 (MANE Select); coding-DNA position 164, C replaced by T.
Protein change: p.Ser55Phe; replaces serine 55 with phenylalanine.
Molecular consequence: missense variant. On other transcripts: 5 prime UTR variant (1), intron variant (2).
Genome position (GRCh38, 1-based): chr2:105,373,726, G>A on the plus strand (C>T on the coding strand, the complement: FHL2 is on the minus strand). VCF-style: chr2-105373726-G-A. GRCh37 (hg19) VCF-style: chr2-105990183-G-A.
Other names: c.164C>T, p.Ser55Phe (NM_001039492.3, NM_001318894.1, NM_001318896.2 and 4 more transcripts); c.-161C>T (NM_001318899.2); c.-11-5987C>T (NM_001318897.2, NM_001318898.2); short protein forms S55F.
Identifiers: ClinVar variation 1315080 (VCV001315080.2), dbSNP rs2104533472, ClinGen allele CA348002430.
Genomic context (GRCh38, chr2:105,373,726, plus strand): 5'-AGTGAGTTTCTGCACTGCGAGCAGTGGAAACAGGCTTCATGCCAGTGCCGGTCCTTGTAA[G>A]ACAAGTCCTGTGGGGCCAGACCACACAAGACAGTCAGAGGCAGGACAGGAGGGCTTGGAC-3'
Protein context (NP_001305824.1, residues 45-65): KPIGCDCKDL[Ser55Phe]YKDRHWHEAC